The following is an entry in ClinVar:

ClinVar aggregate classification (germline): Uncertain significance (1 of 4 stars; one submission).

Conditions:
Cardiomyopathy (CMYO). Also called: Cardiomyopathies. Identifiers: Orphanet 167848, MedGen C0878544, MONDO:0004994, HP:0001638. Inheritance: Various modes of inheritance.

gnomAD v4.1: 1 of 1,614,180 alleles (0.000062%); highest among the groups gnomAD compares: Non-Finnish European, 0.000085%; no homozygotes.

Submission:

Color Diagnostics, LLC DBA Color Health
Classification: Uncertain significance for Cardiomyopathy. Last evaluated: 2025-06-30. Review status: criteria provided, single submitter. Criteria: ACMG Guidelines, 2015. Collection method: clinical testing. Allele origin: germline.
Comment: This missense variant replaces alanine with valine at codon 376 of the TMEM43 protein. Computational prediction suggests that this variant may not impact protein structure and function. To our knowledge, functional studies have not been reported for this variant. This variant has not been reported in individuals affected with TMEM43-related disorders in the literature. This variant has been identified in 1/251412 chromosomes in the general population by the Genome Aggregation Database (gnomAD). The available evidence is insufficient to determine the role of this variant in disease conclusively. Therefore, this variant is classified as a Variant of Uncertain Significance.

NM_024334.3(TMEM43):c.1127C>T (p.Ala376Val)

Gene: TMEM43 (transmembrane protein 43; plus strand). Cytogenetic location: 3p25.1.
Variant type: single nucleotide variant.
Coding change: c.1127C>T on transcript NM_024334.3 (MANE Select); coding-DNA position 1127, C replaced by T.
Protein change: p.Ala376Val; replaces alanine 376 with valine.
Molecular consequence: missense variant.
Genome position (GRCh38, 1-based): chr3:14,141,719, C>T. VCF-style: chr3-14141719-C-T. GRCh37 (hg19) VCF-style: chr3-14183219-C-T.
Other names: c.1130C>T, p.Ala377Val (NM_001407274.1); c.1124C>T, p.Ala375Val (NM_001407275.1, NM_001407276.1); c.1121C>T, p.Ala374Val (NM_001407277.1); c.1112C>T, p.Ala371Val (NM_001407278.1); c.1052C>T, p.Ala351Val (NM_001407279.1); c.977C>T, p.Ala326Val (NM_001407280.1); short protein forms A326V, A351V, A371V, A374V, A375V, A376V, A377V.
Identifiers: ClinVar variation 4758366 (VCV004758366.1).